The following continues an entry in ClinVar:

NM_002227.4(JAK1):c.2097C>G (p.Ala699=)

Gene: JAK1. ClinVar aggregate classification (germline): Benign/Likely benign. Benign (4); Likely benign (1).

Submissions 32 to 57 of 57:

Dr. Peter K. Rogan Lab, Western University
No classification provided (evidence only). Condition: Nonpapillary renal cell carcinoma. Review status: no classification provided. Collection method: in vitro. Allele origin: not applicable. Functional consequence: retained intron. Not counted in ClinVar's aggregate classification.

Dr. Peter K. Rogan Lab, Western University
No classification provided (evidence only). Condition: Nonpapillary renal cell carcinoma. Review status: no classification provided. Collection method: in vitro. Allele origin: not applicable. Functional consequence: retained intron. Not counted in ClinVar's aggregate classification.

Dr. Peter K. Rogan Lab, Western University
No classification provided (evidence only). Condition: Nonpapillary renal cell carcinoma. Review status: no classification provided. Collection method: in vitro. Allele origin: not applicable. Functional consequence: retained intron. Not counted in ClinVar's aggregate classification.

Dr. Peter K. Rogan Lab, Western University
No classification provided (evidence only). Condition: Nonpapillary renal cell carcinoma. Review status: no classification provided. Collection method: in vitro. Allele origin: not applicable. Functional consequence: retained intron. Not counted in ClinVar's aggregate classification.

Dr. Peter K. Rogan Lab, Western University
No classification provided (evidence only). Condition: Thymoma. Review status: no classification provided. Collection method: in vitro. Allele origin: not applicable. Functional consequence: retained intron. Not counted in ClinVar's aggregate classification.

Dr. Peter K. Rogan Lab, Western University
No classification provided (evidence only). Condition: Thymoma. Review status: no classification provided. Collection method: in vitro. Allele origin: not applicable. Functional consequence: retained intron. Not counted in ClinVar's aggregate classification.

Dr. Peter K. Rogan Lab, Western University
No classification provided (evidence only). Condition: Thymoma. Review status: no classification provided. Collection method: in vitro. Allele origin: not applicable. Functional consequence: retained intron. Not counted in ClinVar's aggregate classification.

Dr. Peter K. Rogan Lab, Western University
No classification provided (evidence only). Condition: Thymoma. Review status: no classification provided. Collection method: in vitro. Allele origin: not applicable. Functional consequence: retained intron. Not counted in ClinVar's aggregate classification.

Dr. Peter K. Rogan Lab, Western University
No classification provided (evidence only). Condition: Thymoma. Review status: no classification provided. Collection method: in vitro. Allele origin: not applicable. Functional consequence: retained intron. Not counted in ClinVar's aggregate classification.

Dr. Peter K. Rogan Lab, Western University
No classification provided (evidence only). Condition: Cholangiocarcinoma. Review status: no classification provided. Collection method: in vitro. Allele origin: not applicable. Functional consequence: retained intron. Not counted in ClinVar's aggregate classification.

Dr. Peter K. Rogan Lab, Western University
No classification provided (evidence only). Condition: Cholangiocarcinoma. Review status: no classification provided. Collection method: in vitro. Allele origin: not applicable. Functional consequence: retained intron. Not counted in ClinVar's aggregate classification.

Dr. Peter K. Rogan Lab, Western University
No classification provided (evidence only). Condition: Adrenocortical carcinoma, hereditary. Review status: no classification provided. Collection method: in vitro. Allele origin: not applicable. Functional consequence: retained intron. Not counted in ClinVar's aggregate classification.

Dr. Peter K. Rogan Lab, Western University
No classification provided (evidence only). Condition: Adrenocortical carcinoma, hereditary. Review status: no classification provided. Collection method: in vitro. Allele origin: not applicable. Functional consequence: retained intron. Not counted in ClinVar's aggregate classification.

Dr. Peter K. Rogan Lab, Western University
No classification provided (evidence only). Condition: Colon adenocarcinoma. Review status: no classification provided. Collection method: in vitro. Allele origin: not applicable. Functional consequence: retained intron. Not counted in ClinVar's aggregate classification.

Dr. Peter K. Rogan Lab, Western University
No classification provided (evidence only). Condition: Colon adenocarcinoma. Review status: no classification provided. Collection method: in vitro. Allele origin: not applicable. Functional consequence: retained intron. Not counted in ClinVar's aggregate classification.

Dr. Peter K. Rogan Lab, Western University
No classification provided (evidence only). Condition: Colon adenocarcinoma. Review status: no classification provided. Collection method: in vitro. Allele origin: not applicable. Functional consequence: retained intron. Not counted in ClinVar's aggregate classification.

Dr. Peter K. Rogan Lab, Western University
No classification provided (evidence only). Condition: Colon adenocarcinoma. Review status: no classification provided. Collection method: in vitro. Allele origin: not applicable. Functional consequence: retained intron. Not counted in ClinVar's aggregate classification.

Dr. Peter K. Rogan Lab, Western University
No classification provided (evidence only). Condition: Colon adenocarcinoma. Review status: no classification provided. Collection method: in vitro. Allele origin: not applicable. Functional consequence: retained intron. Not counted in ClinVar's aggregate classification.

Dr. Peter K. Rogan Lab, Western University
No classification provided (evidence only). Condition: Colon adenocarcinoma. Review status: no classification provided. Collection method: in vitro. Allele origin: not applicable. Functional consequence: retained intron. Not counted in ClinVar's aggregate classification.

Dr. Peter K. Rogan Lab, Western University
No classification provided (evidence only). Condition: Colorectal cancer. Review status: no classification provided. Collection method: in vitro. Allele origin: not applicable. Functional consequence: retained intron. Not counted in ClinVar's aggregate classification.

Dr. Peter K. Rogan Lab, Western University
No classification provided (evidence only). Condition: Colorectal cancer. Review status: no classification provided. Collection method: in vitro. Allele origin: not applicable. Functional consequence: retained intron. Not counted in ClinVar's aggregate classification.

Dr. Peter K. Rogan Lab, Western University
No classification provided (evidence only). Condition: Colorectal cancer. Review status: no classification provided. Collection method: in vitro. Allele origin: not applicable. Functional consequence: retained intron. Not counted in ClinVar's aggregate classification.

Dr. Peter K. Rogan Lab, Western University
No classification provided (evidence only). Condition: Colorectal cancer. Review status: no classification provided. Collection method: in vitro. Allele origin: not applicable. Functional consequence: retained intron. Not counted in ClinVar's aggregate classification.

Dr. Peter K. Rogan Lab, Western University
No classification provided (evidence only). Condition: Colorectal cancer. Review status: no classification provided. Collection method: in vitro. Allele origin: not applicable. Functional consequence: retained intron. Not counted in ClinVar's aggregate classification.

Dr. Peter K. Rogan Lab, Western University
No classification provided (evidence only). Condition: Colorectal cancer. Review status: no classification provided. Collection method: in vitro. Allele origin: not applicable. Functional consequence: retained intron. Not counted in ClinVar's aggregate classification.

Dr. Peter K. Rogan Lab, Western University
No classification provided (evidence only). Condition: Uterine corpus endometrial carcinoma. Review status: no classification provided. Collection method: in vitro. Allele origin: not applicable. Functional consequence: retained intron. Not counted in ClinVar's aggregate classification.